The following is an entry in ClinVar:

NM_020163.3(SEMA3G):c.1687G>C (p.Asp563His)

Gene: SEMA3G (semaphorin 3G; minus strand). Cytogenetic location: 3p21.1.
Variant type: single nucleotide variant.
Coding change: c.1687G>C on transcript NM_020163.3 (MANE Select); coding-DNA position 1687, G replaced by C.
Protein change: p.Asp563His; replaces aspartic acid 563 with histidine.
Molecular consequence: missense variant.
Genome position (GRCh38, 1-based): chr3:52,438,022, C>G on the plus strand (G>C on the coding strand, the complement: SEMA3G is on the minus strand). VCF-style: chr3-52438022-C-G. GRCh37 (hg19) VCF-style: chr3-52472038-C-G.
Other names: c.1687G>C (NM_020163.2); short protein forms D563H.
Identifiers: ClinVar variation 2367331 (VCV002367331.3), dbSNP rs1277398669, ClinGen allele CA353141769.

ClinVar aggregate classification (germline): Uncertain significance. Review status: criteria provided, multiple submitters, no conflicts (2 of 4 stars). 2 submissions from 2 submitters: Uncertain significance (2). Last evaluated 2024-11-09.

Conditions:
SEMA3G-related disorder. Also called: SEMA3G-related condition.

Allele frequency attached by ClinVar (database versions not stated): gnomAD 0.00001; TOPMed 0.00001.
gnomAD v4.1: 5 of 1,612,954 alleles (0.00031%); highest among the groups gnomAD compares: East Asian, 0.0022%; no homozygotes.

Submissions (2):

PreventionGenetics, part of Exact Sciences
Classification: Uncertain significance for SEMA3G-related condition. Last evaluated: 2024-11-09. Review status: criteria provided, single submitter. Criteria: ACMG Guidelines, 2015. Collection method: clinical testing. Allele origin: germline.
Comment: The SEMA3G c.1687G>C variant is predicted to result in the amino acid substitution p.Asp563His. To our knowledge, this variant has not been reported in the literature or in a large population database (gnomAD), indicating this variant is rare. At this time, the clinical significance of this variant is uncertain due to the absence of conclusive functional and genetic evidence.

Ambry Genetics
Classification: Uncertain significance. Last evaluated: 2021-12-03. Review status: criteria provided, single submitter. Criteria: Ambry Variant Classification Scheme 2023. Collection method: clinical testing. Allele origin: germline.